The following is an entry in ClinVar:

NM_001394998.1(TANC2):c.4167+1G>A

Gene: TANC2 (tetratricopeptide repeat, ankyrin repeat and coiled-coil containing 2; plus strand). Cytogenetic location: 17q23.3.
Variant type: single nucleotide variant.
Coding change: c.4167+1G>A on transcript NM_001394998.1 (MANE Select); the canonical splice donor site of the intron after coding-DNA position 4167, G replaced by A.
Molecular consequence: splice donor variant.
Genome position (GRCh38, 1-based): chr17:63,415,675, G>A. VCF-style: chr17-63415675-G-A. GRCh37 (hg19) VCF-style: chr17-61493036-G-A.
Other names: c.3945+1G>A (NM_001411076.1); c.3915+1G>A (NM_025185.4).
Identifiers: ClinVar variation 4282319 (VCV004282319.1).
Genomic context (GRCh38, chr17:63,415,675, plus strand): 5'-TTCCGGGAACTAAAGGTGTCTCTCCTCCTCAACCTCTCTCGGTGTCGCAGGAAAATGAAC[G>A]TAAGTCCCTGTCACCCCAACTCCTTTCTGCAATCCTGGTAGCTGATAGCCTGTGTCACTC-3'

ClinVar aggregate classification (germline): Uncertain significance (1 of 4 stars; one submission).

Submission:

GeneDx
Classification: Uncertain significance. Last evaluated: 2025-04-17. Review status: criteria provided, single submitter. Criteria: GeneDx Variant Classification Process June 2021. Collection method: clinical testing. Allele origin: germline. Affected: yes.
Comment: Canonical splice site variant predicted to result in an in-frame loss of the adjacent exon in a gene for which loss of function is a known mechanism of disease; Has not been previously published as pathogenic or benign to our knowledge